The following is an entry in ClinVar:

ClinVar aggregate classification (germline): Pathogenic/Likely pathogenic. Review status: criteria provided, multiple submitters, no conflicts (2 of 4 stars). 2 submissions from 2 submitters: Pathogenic (1); Likely pathogenic (1). Last evaluated 2025-10-06.

Conditions:
Citrullinemia. Identifiers: Orphanet 187, MedGen C0175683, MONDO:0015991.
Citrullinemia type I (CTNL1). Also called: argininosuccinate synthetase deficiency; ASS DEFICIENCY. Identifiers: Orphanet 247525, MedGen C4721769, MONDO:0008988, OMIM 215700.

Allele frequency attached by ClinVar (database versions not stated): TOPMed 0.00001.
gnomAD v4.1: 7 of 1,613,420 alleles (0.00043%); highest among the groups gnomAD compares: African/African-American, 0.008%; no homozygotes.

Submissions (2):

Labcorp Genetics (formerly Invitae), Labcorp
Classification: Pathogenic for Citrullinemia. Last evaluated: 2025-10-06. Review status: criteria provided, single submitter. Criteria: Invitae Variant Classification Sherloc (09022015). Collection method: clinical testing. Allele origin: germline.
Comment: This sequence change creates a premature translational stop signal (p.Tyr282*) in the ASS1 gene. It is expected to result in an absent or disrupted protein product. Loss-of-function variants in ASS1 are known to be pathogenic (PMID: 18473344, 19006241). This variant is present in population databases (no rsID available, gnomAD 0.02%). This variant has not been reported in the literature in individuals affected with ASS1-related conditions. ClinVar contains an entry for this variant (Variation ID: 840768). For these reasons, this variant has been classified as Pathogenic.

Revvity Omics, Revvity
Classification: Likely pathogenic for Citrullinemia type I. Last evaluated: 2020-12-09. Review status: criteria provided, single submitter. Criteria: ACMG Guidelines, 2015. Collection method: clinical testing. Allele origin: germline.

Literature cited by the submitters: PubMed 18473344 (cited by Labcorp Genetics (formerly Invitae), Labcorp); PubMed 19006241 (cited by Labcorp Genetics (formerly Invitae), Labcorp).

NM_054012.4(ASS1):c.846C>A (p.Tyr282Ter)

Gene: ASS1 (argininosuccinate synthase 1; plus strand). Cytogenetic location: 9q34.11.
Variant type: single nucleotide variant.
Coding change: c.846C>A on transcript NM_054012.4 (MANE Select); coding-DNA position 846, C replaced by A.
Protein change: p.Tyr282Ter; replaces tyrosine 282 with a stop codon.
Molecular consequence: nonsense.
Genome position (GRCh38, 1-based): chr9:130,489,340, C>A. VCF-style: chr9-130489340-C-A. GRCh37 (hg19) VCF-style: chr9-133364727-C-A.
Other names: c.846C>A, p.Tyr282Ter (NM_000050.4); short protein forms Y282*.
Identifiers: ClinVar variation 840768 (VCV000840768.15), dbSNP rs549085827, ClinGen allele CA375230456.